The following is an entry in ClinVar:

NM_001130438.3(SPTAN1):c.2089G>A (p.Val697Ile)

Gene: SPTAN1 (spectrin alpha, non-erythrocytic 1; plus strand). Cytogenetic location: 9q34.11.
Variant type: single nucleotide variant.
Coding change: c.2089G>A on transcript NM_001130438.3 (MANE Select); coding-DNA position 2089, G replaced by A.
Protein change: p.Val697Ile; replaces valine 697 with isoleucine.
Molecular consequence: missense variant.
Genome position (GRCh38, 1-based): chr9:128,583,865, G>A. VCF-style: chr9-128583865-G-A. GRCh37 (hg19) VCF-style: chr9-131346144-G-A.
Other names: c.2089G>A, p.Val697Ile (NM_001195532.2, NM_001363759.2, NM_001363765.2 and 5 more transcripts); c.2125G>A, p.Val709Ile (NM_001375312.2, NM_001375318.1); short protein forms V709I, V697I.
Identifiers: ClinVar variation 2987212 (VCV002987212.4), dbSNP rs2541184692, ClinGen allele CA375056136.

ClinVar aggregate classification (germline): Uncertain significance. Review status: criteria provided, multiple submitters, no conflicts (2 of 4 stars). 2 submissions from 2 submitters: Uncertain significance (2). Last evaluated 2024-02-01.

Conditions:
Developmental and epileptic encephalopathy, 5 (DEE5). Identifiers: Orphanet 3451, MedGen C3150731, MONDO:0013277, OMIM 613477.
Early-infantile DEE. Also called: Ohtahara syndrome; Early infantile epileptic encephalopathy with suppression bursts; Early infantile epileptic encephalopathy. Identifiers: Orphanet 1934, MedGen C0393706, MONDO:0800491.

gnomAD v4.1: 6 of 1,614,234 alleles (0.00037%); highest among the groups gnomAD compares: South Asian, 0.0011%; no homozygotes.

Submissions (2):

Neuberg Centre For Genomic Medicine, NCGM
Classification: Uncertain significance for Developmental and epileptic encephalopathy, 5. Last evaluated: 2024-02-01. Review status: criteria provided, single submitter. Criteria: ACMG Guidelines, 2015. Collection method: clinical testing. Allele origin: germline. Inheritance: Autosomal dominant inheritance.
Comment: This variant in SPTAN1 has not been reported previously as a pathogenic variant nor as a benign variant, to our knowledge.

Labcorp Genetics (formerly Invitae), Labcorp
Classification: Uncertain significance for Early-infantile DEE. Last evaluated: 2023-11-13. Review status: criteria provided, single submitter. Criteria: Invitae Variant Classification Sherloc (09022015). Collection method: clinical testing. Allele origin: germline.
Comment: This sequence change replaces valine, which is neutral and non-polar, with isoleucine, which is neutral and non-polar, at codon 697 of the SPTAN1 protein (p.Val697Ile). This variant is not present in population databases (gnomAD no frequency). This variant has not been reported in the literature in individuals affected with SPTAN1-related conditions. Advanced modeling of protein sequence and biophysical properties (such as structural, functional, and spatial information, amino acid conservation, physicochemical variation, residue mobility, and thermodynamic stability) has been performed at Invitae for this missense variant, however the output from this modeling did not meet the statistical confidence thresholds required to predict the impact of this variant on SPTAN1 protein function. In summary, the available evidence is currently insufficient to determine the role of this variant in disease. Therefore, it has been classified as a Variant of Uncertain Significance.